The following is an entry in ClinVar:

ClinVar aggregate classification (germline): Uncertain significance (1 of 4 stars; one submission).

Conditions:
Malignant hyperthermia, susceptibility to, 1 (MHS1). Also called: Anesthesia related hyperthermia; Malignant hyperpyrexia; Fulminating hyperpyrexia; Pharmacogenic myopathy; RYR1-Related Malignant Hyperthermia Susceptibility; Malignant hyperthermia suceptibility 1. Identifiers: Orphanet 423, MedGen C2930980, MONDO:0007783, OMIM 145600.

Submission:

All of Us Research Program, National Institutes of Health
Classification: Uncertain significance for Malignant hyperthermia, susceptibility to, 1. Last evaluated: 2023-05-31. Review status: criteria provided, single submitter. Criteria: ACMG Guidelines, 2015. Collection method: clinical testing. Allele origin: germline. Inheritance: Autosomal dominant inheritance. Observed: 1 variant allele, 1 heterozygote.
Comment: This study involves interpretation of variants in research participants for the purpose of population health screening. Participant phenotype was not available at the time of variant classification. Additional details can be found in publication PMID: 35346344, PMCID: PMC8962531

NM_000540.3(RYR1):c.3409C>T (p.Pro1137Ser)

Gene: RYR1 (ryanodine receptor 1; plus strand). Cytogenetic location: 19q13.2.
Variant type: single nucleotide variant.
Coding change: c.3409C>T on transcript NM_000540.3 (MANE Select); coding-DNA position 3409, C replaced by T.
Protein change: p.Pro1137Ser; replaces proline 1137 with serine.
Molecular consequence: missense variant.
Genome position (GRCh38, 1-based): chr19:38,468,993, C>T. VCF-style: chr19-38468993-C-T. GRCh37 (hg19) VCF-style: chr19-38959633-C-T.
Other names: c.3409C>T, p.Pro1137Ser (NM_001042723.2); short protein forms P1137S.
Identifiers: ClinVar variation 3071306 (VCV003071306.1), dbSNP rs2514112748, ClinGen allele CA405638303.